The following is an entry in ClinVar:

NM_000382.3(ALDH3A2):c.1446A>T (p.Ala482=)

Gene: ALDH3A2 (aldehyde dehydrogenase 3 family member A2; plus strand). Cytogenetic location: 17p11.2.
Variant type: single nucleotide variant.
Coding change: c.1446A>T on transcript NM_000382.3 (MANE Select); coding-DNA position 1446, A replaced by T.
Protein change: p.Ala482=; no amino-acid change (alanine 482 retained).
Molecular consequence: synonymous variant. On other transcripts: 3 prime UTR variant (3), nonsense (1).
Genome position (GRCh38, 1-based): chr17:19,675,560, A>T. VCF-style: chr17-19675560-A-T. GRCh37 (hg19) VCF-style: chr17-19578873-A-T.
Other names: c.*44A>T (NM_001031806.2, NM_001369136.1, NM_001369137.2); c.1446A>T, p.Ala482= (NM_001369138.2, NM_001369139.1); c.1210A>T, p.Arg404Ter (NM_001369146.2); c.867A>T, p.Ala289= (NM_001369148.2); short protein forms R404*.
Identifiers: ClinVar variation 322219 (VCV000322219.31), dbSNP rs7216, ClinGen allele CA8443130.

ClinVar aggregate classification (germline): Benign. Review status: criteria provided, multiple submitters, no conflicts (2 of 4 stars). 11 submissions from 11 submitters: Benign (7). 4 of the submissions do not count toward it. Last evaluated 2026-02-04.

Conditions:
Sjögren-Larsson syndrome (SLS). Also called: FALDH DEFICIENCY; FATTY ALCOHOL:NAD+ OXIDOREDUCTASE DEFICIENCY; FATTY ALDEHYDE DEHYDROGENASE DEFICIENCY; ICHTHYOSIS, SPASTIC NEUROLOGIC DISORDER, AND OLIGOPHRENIA. Identifiers: Orphanet 816, MedGen C0037231, MONDO:0010031, OMIM 270200.

Allele frequency attached by ClinVar (database versions not stated): ESP Exome Variant Server 0.55067; gnomAD 0.56713 and 0.57629; TOPMed 0.58606; 1000 Genomes Project 30x 0.66740; 1000 Genomes Project 0.67851; ExAC 0.61541; gnomAD exomes 0.61999.

Submissions (11):

Labcorp Genetics (formerly Invitae), Labcorp
Classification: Benign. Last evaluated: 2026-02-04. Review status: criteria provided, single submitter. Criteria: Invitae Variant Classification Sherloc (09022015). Collection method: clinical testing. Allele origin: germline.

Blueprint Genetics
Classification: Benign. Last evaluated: 2024-11-28. Review status: criteria provided, single submitter. Criteria: ACMG Guidelines, 2015. Collection method: clinical testing. Allele origin: germline.

Genome-Nilou Lab
Classification: Benign for Sjögren-Larsson syndrome. Last evaluated: 2021-07-10. Review status: criteria provided, single submitter. Criteria: ACMG Guidelines, 2015. Collection method: clinical testing. Allele origin: germline. Affected: no.

Mendelics
Classification: Benign for Sjögren-Larsson syndrome. Last evaluated: 2019-05-28. Review status: criteria provided, single submitter. Criteria: Mendelics Assertion Criteria 2017. Collection method: clinical testing. Allele origin: unknown.

Illumina Laboratory Services, Illumina
Classification: Benign for Sjögren-Larsson syndrome. Last evaluated: 2018-01-13. Review status: criteria provided, single submitter. Criteria: ICSL Variant Classification Criteria 13 December 2019. Collection method: clinical testing. Allele origin: germline.
Comment: This variant was observed in the ICSL laboratory as part of a predisposition screen in an ostensibly healthy population. It had not been previously curated by ICSL or reported in the Human Gene Mutation Database (HGMD: prior to June 1st, 2018), and was therefore a candidate for classification through an automated scoring system. Utilizing variant allele frequency, disease prevalence and penetrance estimates, and inheritance mode, an automated score was calculated to assess if this variant is too frequent to cause the disease. Based on the score and internal cut-off values, a variant classified as benign is not then subjected to further curation. The score for this variant resulted in a classification of benign for this disease.

GeneDx
Classification: Benign. Last evaluated: 2015-03-03. Review status: criteria provided, single submitter. Criteria: GeneDx Variant Classification Process June 2021. Collection method: clinical testing. Allele origin: germline. Affected: yes.

Breakthrough Genomics
Classification: Benign. Review status: criteria provided, single submitter. Criteria: ACMG Guidelines, 2015. Collection method: not provided. Allele origin: germline. Inheritance: Autosomal recessive inheritance. Affected: yes.

Natera, Inc.
Classification: Benign for Sjögren-Larsson syndrome. Last evaluated: 2019-11-18. Review status: no assertion criteria provided. Collection method: clinical testing. Allele origin: germline. Not counted in ClinVar's aggregate classification.

Mayo Clinic Laboratories, Mayo Clinic
Classification: Benign. Last evaluated: 2016-02-19. Review status: no assertion criteria provided. Collection method: clinical testing. Allele origin: unknown. Not counted in ClinVar's aggregate classification.

Diagnostic Laboratory, Department of Genetics, University Medical Center Groningen
Classification: Benign. Review status: no assertion criteria provided. Collection method: clinical testing. Allele origin: germline. Affected: yes. Study: VKGL Data-share Consensus. Not counted in ClinVar's aggregate classification.

Joint Genome Diagnostic Labs from Nijmegen and Maastricht, Radboudumc and MUMC+
Classification: Benign. Review status: no assertion criteria provided. Collection method: clinical testing. Allele origin: germline. Affected: yes. Study: VKGL Data-share Consensus. Not counted in ClinVar's aggregate classification.